The following is an entry in ClinVar:

NM_000535.7(PMS2):c.2264T>A (p.Ile755Asn)

Gene: PMS2 (PMS1 homolog 2, mismatch repair system component; minus strand). Cytogenetic location: 7p22.1.
Variant type: single nucleotide variant.
Coding change: c.2264T>A on transcript NM_000535.7 (MANE Select); coding-DNA position 2264, T replaced by A.
Protein change: p.Ile755Asn; replaces isoleucine 755 with asparagine.
Molecular consequence: missense variant. On other transcripts: non-coding transcript variant (1).
Genome position (GRCh38, 1-based): chr7:5,978,607, A>T on the plus strand (T>A on the coding strand, the complement: PMS2 is on the minus strand). VCF-style: chr7-5978607-A-T. GRCh37 (hg19) VCF-style: chr7-6018238-A-T.
Other names: c.1859T>A, p.Ile620Asn (NM_001322003.2, NM_001322004.2, NM_001322005.2 and 1 more transcripts); c.2108T>A, p.Ile703Asn (NM_001322006.2); c.1946T>A, p.Ile649Asn (NM_001322007.2, NM_001322008.2); c.1703T>A, p.Ile568Asn (NM_001322010.2); c.1331T>A, p.Ile444Asn (NM_001322011.2, NM_001322012.2); c.1691T>A, p.Ile564Asn (NM_001322013.2); c.2264T>A, p.Ile755Asn (NM_001322014.2); c.1955T>A, p.Ile652Asn (NM_001322015.2); short protein forms I444N, I568N, I564N, I620N, I649N, I755N, I652N, I703N.
Identifiers: ClinVar variation 1377352 (VCV001377352.6), dbSNP rs386833410, ClinGen allele CA366736465.

ClinVar aggregate classification (germline): Uncertain significance (1 of 4 stars; one submission).

Conditions:
Hereditary nonpolyposis colorectal neoplasms. Identifiers: MedGen C0009405, MeSH D003123.

Submission:

Labcorp Genetics (formerly Invitae), Labcorp
Classification: Uncertain significance for Hereditary nonpolyposis colorectal neoplasms. Last evaluated: 2025-12-22. Review status: criteria provided, single submitter. Criteria: Invitae Variant Classification Sherloc (09022015). Collection method: clinical testing. Allele origin: germline.
Comment: This sequence change replaces isoleucine, which is neutral and non-polar, with asparagine, which is neutral and polar, at codon 755 of the PMS2 protein (p.Ile755Asn). The frequency data for this variant in the population databases (gnomAD) is considered unreliable due to the presence of homologous sequence, such as pseudogenes or paralogs, in the genome. This variant has not been reported in the literature in individuals affected with PMS2-related conditions. ClinVar contains an entry for this variant (Variation ID: 1377352). Invitae Evidence Modeling incorporating data from in vitro experimental studies (internal data) indicates that this missense variant is not expected to disrupt PMS2 function with a negative predictive value of 95%. In summary, the available evidence is currently insufficient to determine the role of this variant in disease. Therefore, it has been classified as a Variant of Uncertain Significance.